The following is an entry in ClinVar:

ClinVar aggregate classification (germline): Uncertain significance (1 of 4 stars; one submission).

Submission:

Labcorp Genetics (formerly Invitae), Labcorp
Classification: Uncertain significance. Last evaluated: 2022-08-07. Review status: criteria provided, single submitter. Criteria: Invitae Variant Classification Sherloc (09022015). Collection method: clinical testing. Allele origin: germline.
Comment: In summary, the available evidence is currently insufficient to determine the role of this variant in disease. Therefore, it has been classified as a Variant of Uncertain Significance. Experimental studies and prediction algorithms are not available or were not evaluated, and the functional significance of this variant is currently unknown. This variant has not been reported in the literature in individuals affected with CCDC88A-related conditions. This variant results in a copy number gain of the genomic region encompassing exon(s) 18-33 of the CCDC88A gene. This region includes the termination codon of the gene. This copy number gain extends beyond the assayed region for this gene and therefore may encompass additional genes. As the precise location of this event is unknown, it may be in tandem or it may be located elsewhere in the genome.

NC_000002.11:g.(?_54278075)_(55549848_?)dup

Genes: ACYP2 (acylphosphatase 2; plus strand), CCDC88A (coiled-coil domain containing 88A; minus strand), CIMIP6 (ciliary microtubule inner protein 6; plus strand), CLHC1 (clathrin heavy chain linker domain containing 1; minus strand), EML6 (EMAP like 6; plus strand) and 5 more. Cytogenetic location: 2p16.2-16.1.
Variant type: Duplication.
Identifiers: ClinVar variation 2423801 (VCV002423801.4).